The following is an entry in ClinVar:

NM_001211.6(BUB1B):c.737G>C (p.Gly246Ala)

Gene: BUB1B (BUB1 mitotic checkpoint serine/threonine kinase B; plus strand). Cytogenetic location: 15q15.1.
Variant type: single nucleotide variant.
Coding change: c.737G>C on transcript NM_001211.6 (MANE Select); coding-DNA position 737, G replaced by C.
Protein change: p.Gly246Ala; replaces glycine 246 with alanine.
Molecular consequence: missense variant.
Genome position (GRCh38, 1-based): chr15:40,183,869, G>C. VCF-style: chr15-40183869-G-C. GRCh37 (hg19) VCF-style: chr15-40476070-G-C.
Other names: short protein forms G246A.
Identifiers: ClinVar variation 3221443 (VCV003221443.1), dbSNP rs1407334063, ClinGen allele CA391683501.

ClinVar aggregate classification (germline): Uncertain significance (1 of 4 stars; one submission).

Conditions:
Inborn genetic diseases. Identifiers: MedGen C0950123, MeSH D030342.

Submission:

Ambry Genetics
Classification: Uncertain significance for Inborn genetic diseases. Last evaluated: 2024-01-11. Review status: criteria provided, single submitter. Criteria: Ambry Variant Classification Scheme 2023. Collection method: clinical testing. Allele origin: germline.
Comment: The p.G246A variant (also known as c.737G>C), located in coding exon 6 of the BUB1B gene, results from a G to C substitution at nucleotide position 737. The glycine at codon 246 is replaced by alanine, an amino acid with similar properties. This amino acid position is conserved. In addition, this alteration is predicted to be tolerated by in silico analysis. Since supporting evidence is limited at this time, the clinical significance of this alteration remains unclear.